The following is an entry in ClinVar:

ClinVar aggregate classification (germline): Uncertain significance (1 of 4 stars; one submission).

Conditions:
SIM1-related disorder. Also called: SIM1-related condition; SIM1-related disorders.

gnomAD v4.1: 2 of 1,565,272 alleles (0.00013%); highest among the groups gnomAD compares: Non-Finnish European, 0.00017%; no homozygotes.

Submission:

PreventionGenetics, part of Exact Sciences
Classification: Uncertain significance for SIM1-related condition. Last evaluated: 2026-04-13. Review status: criteria provided, single submitter. Criteria: ACMG Guidelines, 2015. Collection method: clinical testing. Allele origin: germline.
Comment: The SIM1 c.1573C>T variant is predicted to result in premature protein termination (p.Arg525*). To our knowledge, this variant has not been reported in the literature or in a large population database gnomAD, indicating this variant is rare. Nonsense variants in SIM1 are expected to be pathogenic. However this variant resides in the last exon and is not predicted to result in nonsense mediated decay and to date, no premature protein termination variants have been reported downstream of this variant. Although we suspect that this variant may be pathogenic, at this time, the clinical significance of this variant is uncertain due to the absence of conclusive functional and genetic evidence.

NM_005068.3(SIM1):c.1573C>T (p.Arg525Ter)

Gene: SIM1 (SIM bHLH transcription factor 1; minus strand). Cytogenetic location: 6q16.3.
Variant type: single nucleotide variant.
Coding change: c.1573C>T on transcript NM_005068.3 (MANE Select); coding-DNA position 1573, C replaced by T.
Protein change: p.Arg525Ter; replaces arginine 525 with a stop codon.
Molecular consequence: nonsense.
Genome position (GRCh38, 1-based): chr6:100,391,089, G>A on the plus strand (C>T on the coding strand, the complement: SIM1 is on the minus strand). VCF-style: chr6-100391089-G-A. GRCh37 (hg19) VCF-style: chr6-100838965-G-A.
Other names: c.1573C>T, p.Arg525Ter (NM_001374769.1); short protein forms R525*.
Identifiers: ClinVar variation 3345394 (VCV003345394.2).